The following is an entry in ClinVar:

ClinVar aggregate classification (germline): Uncertain significance (1 of 4 stars; one submission).

Conditions:
Neuronal ceroid lipofuscinosis. Also called: Neuronal Ceroid Lipofuscinoses. Identifiers: Orphanet 216, Orphanet 79263, MedGen C0027877, MONDO:0016295. Disease mechanism: loss of function.

Submission:

Labcorp Genetics (formerly Invitae), Labcorp
Classification: Uncertain significance for Neuronal ceroid lipofuscinosis. Last evaluated: 2023-12-28. Review status: criteria provided, single submitter. Criteria: Invitae Variant Classification Sherloc (09022015). Collection method: clinical testing. Allele origin: germline.
Comment: This sequence change replaces valine, which is neutral and non-polar, with glycine, which is neutral and non-polar, at codon 32 of the CLN6 protein (p.Val32Gly). This variant is not present in population databases (gnomAD no frequency). This variant has not been reported in the literature in individuals affected with CLN6-related conditions. Advanced modeling of protein sequence and biophysical properties (such as structural, functional, and spatial information, amino acid conservation, physicochemical variation, residue mobility, and thermodynamic stability) performed at Invitae indicates that this missense variant is not expected to disrupt CLN6 protein function with a negative predictive value of 80%. In summary, the available evidence is currently insufficient to determine the role of this variant in disease. Therefore, it has been classified as a Variant of Uncertain Significance.

NM_017882.3(CLN6):c.95T>G (p.Val32Gly)

Gene: CLN6 (CLN6 transmembrane ER protein; minus strand). Cytogenetic location: 15q23.
Variant type: single nucleotide variant.
Coding change: c.95T>G on transcript NM_017882.3 (MANE Select); coding-DNA position 95, T replaced by G.
Protein change: p.Val32Gly; replaces valine 32 with glycine.
Molecular consequence: missense variant.
Genome position (GRCh38, 1-based): chr15:68,218,639, A>C on the plus strand (T>G on the coding strand, the complement: CLN6 is on the minus strand). VCF-style: chr15-68218639-A-C. GRCh37 (hg19) VCF-style: chr15-68510977-A-C.
Other names: c.191T>G, p.Val64Gly (NM_001411068.1); short protein forms V64G, V32G.
Identifiers: ClinVar variation 2768197 (VCV002768197.3), dbSNP rs2505421974, ClinGen allele CA392975936.